The following is an entry in ClinVar:

NM_006035.4(CDC42BPB):c.1609G>C (p.Val537Leu)

Gene: CDC42BPB (CDC42 binding protein kinase beta; minus strand). Cytogenetic location: 14q32.32.
Variant type: single nucleotide variant.
Coding change: c.1609G>C on transcript NM_006035.4 (MANE Select); coding-DNA position 1609, G replaced by C.
Protein change: p.Val537Leu; replaces valine 537 with leucine.
Molecular consequence: missense variant.
Genome position (GRCh38, 1-based): chr14:102,974,048, C>G on the plus strand (G>C on the coding strand, the complement: CDC42BPB is on the minus strand). VCF-style: chr14-102974048-C-G. GRCh37 (hg19) VCF-style: chr14-103440385-C-G.
Other names: c.1609G>C, p.Val537Leu (NM_001411054.1); short protein forms V537L.
Identifiers: ClinVar variation 3902051 (VCV003902051.1).

ClinVar aggregate classification (germline): Uncertain significance (1 of 4 stars; one submission).

Conditions:
Chilton-Okur-Chung neurodevelopmental syndrome (CHOCNS). Identifiers: MedGen C5677022, MONDO:0859239, OMIM 619841.

gnomAD v4.1: 1 of 1,613,110 alleles (0.000062%); highest among the groups gnomAD compares: Non-Finnish European, 0.000085%; no homozygotes.

Submission:

Laboratorio de Genetica e Diagnostico Molecular, Hospital Israelita Albert Einstein
Classification: Uncertain significance for Chilton-Okur-Chung neurodevelopmental syndrome. Last evaluated: 2024-07-07. Review status: criteria provided, single submitter. Criteria: ACMG Guidelines, 2015. Collection method: clinical testing. Allele origin: germline. Affected: yes.
Comment: ACMG classification criteria: PM2 supporting, PP2 supporting, BP4 supporting